The following is an entry in ClinVar:

NM_000057.4(BLM):c.3625T>A (p.Ser1209Thr)

Gene: BLM (BLM RecQ like helicase; plus strand). Cytogenetic location: 15q26.1.
Variant type: single nucleotide variant.
Coding change: c.3625T>A on transcript NM_000057.4 (MANE Select); coding-DNA position 3625, T replaced by A.
Protein change: p.Ser1209Thr; replaces serine 1209 with threonine.
Molecular consequence: missense variant. On other transcripts: intron variant (1).
Genome position (GRCh38, 1-based): chr15:90,804,233, T>A. VCF-style: chr15-90804233-T-A. GRCh37 (hg19) VCF-style: chr15-91347463-T-A.
Other names: p.S1209T:TCT>ACT; c.3625T>A, p.Ser1209Thr (NM_001287246.2); c.2500T>A, p.Ser834Thr (NM_001287248.2); c.3359-4904T>A (NM_001287247.2); short protein forms S1209T, S834T.
Identifiers: ClinVar variation 127501 (VCV000127501.78), dbSNP rs1801256, ClinGen allele CA287106.

ClinVar aggregate classification (germline): Conflicting classifications of pathogenicity. Review status: criteria provided, conflicting classifications (1 of 4 stars). 18 submissions from 18 submitters: Uncertain significance (4); Benign (2); Likely benign (11). 1 of the submissions does not count toward it. Last evaluated 2026-08-01.

Conditions:
Hereditary cancer-predisposing syndrome. Also called: Neoplastic Syndromes, Hereditary; Hereditary Cancer Syndrome; Tumor predisposition; Hereditary neoplastic syndrome. Identifiers: Orphanet 140162, MedGen C0027672, MeSH D009386, MONDO:0015356.
Bloom syndrome (BLM). Also called: Bloom-Torre-Machacek syndrome. Identifiers: Orphanet 125, MedGen C0005859, MONDO:0008876, OMIM 210900.

Allele frequency attached by ClinVar (database versions not stated): gnomAD exomes 0.00026 and 0.00036; TOPMed 0.00026; gnomAD 0.00029 and 0.00031; ExAC 0.00031; ESP Exome Variant Server 0.00031.
gnomAD v4.1: 428 of 1,613,966 alleles (0.027%); highest among the groups gnomAD compares: Non-Finnish European, 0.022%; no homozygotes.

Submissions (18):

CeGaT Center for Human Genetics Tuebingen
Classification: Likely benign. Last evaluated: 2026-08-01. Review status: criteria provided, single submitter. Criteria: CeGaT Center For Human Genetics Tuebingen Variant Classification Criteria Version 2. Collection method: clinical testing. Allele origin: germline. Affected: yes. Observed: 6 variant alleles.
Comment: BLM: BS1

Labcorp Genetics (formerly Invitae), Labcorp
Classification: Benign for Bloom syndrome. Last evaluated: 2026-01-30. Review status: criteria provided, single submitter. Criteria: Invitae Variant Classification Sherloc (09022015). Collection method: clinical testing. Allele origin: germline.

Revvity Omics, Revvity
Classification: Uncertain significance for Bloom syndrome. Last evaluated: 2025-02-27. Review status: criteria provided, single submitter. Criteria: ACMG Guidelines, 2015. Collection method: clinical testing. Allele origin: germline.

Blueprint Genetics
Classification: Likely benign. Last evaluated: 2024-11-27. Review status: criteria provided, single submitter. Criteria: ACMG Guidelines, 2015. Collection method: clinical testing. Allele origin: germline.

Mayo Clinic Laboratories, Mayo Clinic
Classification: Likely benign. Last evaluated: 2024-11-17. Review status: criteria provided, single submitter. Criteria: ACMG Guidelines, 2015. Collection method: clinical testing. Allele origin: germline. Observed: 2 variant alleles.
Comment: BP2, BP4

Mendelics
Classification: Likely benign for Bloom syndrome. Last evaluated: 2024-04-09. Review status: criteria provided, single submitter. Criteria: ACMG Guidelines, 2015. Collection method: clinical testing. Allele origin: unknown.

ARUP Laboratories, Molecular Genetics and Genomics, ARUP Laboratories
Classification: Likely benign for Bloom syndrome. Last evaluated: 2024-02-04. Review status: criteria provided, single submitter. Criteria: ARUP Molecular Germline Variant Investigation Process 2024. Collection method: clinical testing. Allele origin: germline.

Quest Diagnostics Nichols Institute San Juan Capistrano
Classification: Likely benign. Last evaluated: 2023-03-07. Review status: criteria provided, single submitter. Criteria: Quest Diagnostics criteria. Collection method: clinical testing. Allele origin: unknown.

Institute for Clinical Genetics, University Hospital TU Dresden, University Hospital TU Dresden
Classification: Likely benign. Last evaluated: 2021-11-03. Review status: criteria provided, single submitter. Criteria: ACMG Guidelines, 2015. Collection method: clinical testing. Allele origin: germline.

AiLife Diagnostics
Classification: Uncertain significance. Last evaluated: 2021-06-29. Review status: criteria provided, single submitter. Criteria: ACMG Guidelines, 2015. Collection method: clinical testing. Allele origin: germline. Affected: yes. Observed: 1 variant allele.

Sema4
Classification: Likely benign for Hereditary cancer-predisposing syndrome. Last evaluated: 2020-11-12. Review status: criteria provided, single submitter. Criteria: Sema4 Curation Guidelines. Collection method: curation. Allele origin: germline.

Genetic Services Laboratory, University of Chicago
Classification: Likely benign. Last evaluated: 2019-01-10. Review status: criteria provided, single submitter. Criteria: ACMG Guidelines, 2015. Collection method: clinical testing. Allele origin: germline. Affected: no.

Ambry Genetics
Classification: Likely benign for Hereditary cancer-predisposing syndrome. Last evaluated: 2018-11-06. Review status: criteria provided, single submitter. Criteria: Ambry Variant Classification Scheme 2023. Collection method: clinical testing. Allele origin: germline.

GeneDx
Classification: Likely benign. Last evaluated: 2017-12-22. Review status: criteria provided, single submitter. Criteria: GeneDx Variant Classification (06012015). Collection method: clinical testing. Allele origin: germline. Affected: yes.
Comment: This variant is considered likely benign or benign based on one or more of the following criteria: it is a conservative change, it occurs at a poorly conserved position in the protein, it is predicted to be benign by multiple in silico algorithms, and/or has population frequency not consistent with disease.

Illumina Laboratory Services, Illumina
Classification: Uncertain significance for Bloom syndrome. Last evaluated: 2017-06-09. Review status: criteria provided, single submitter. Criteria: ICSL Variant Classification Criteria 13 December 2019. Collection method: clinical testing. Allele origin: germline.
Comment: This variant was observed as part of a predisposition screen in an ostensibly healthy population. A literature search was performed for the gene, cDNA change, and amino acid change (where applicable). Publications were found based on this search. However, the evidence from the literature, in combination with allele frequency data from public databases where available, was not sufficient to rule this variant in or out of causing disease. Therefore, this variant is classified as a variant of unknown significance.

Eurofins Ntd Llc (ga)
Classification: Uncertain significance. Last evaluated: 2016-09-16. Review status: criteria provided, single submitter. Criteria: EGL Classification Definitions 2015. Collection method: clinical testing. Allele origin: germline. Observed: 2 variant alleles, 2 heterozygotes.

PreventionGenetics, part of Exact Sciences
Classification: Benign. Review status: criteria provided, single submitter. Criteria: ACMG Guidelines, 2015. Collection method: clinical testing. Allele origin: germline.

Natera, Inc.
Classification: Likely benign for Bloom syndrome. Last evaluated: 2019-08-05. Review status: no assertion criteria provided. Collection method: clinical testing. Allele origin: germline. Not counted in ClinVar's aggregate classification.

Literature cited by the submitters: PubMed 32073752 (cited by Quest Diagnostics Nichols Institute San Juan Capistrano and AiLife Diagnostics); PubMed 17407155 (cited by 3 submitters); PubMed 9837821 (cited by Ambry Genetics and Illumina Laboratory Services, Illumina).